The following is an entry in ClinVar:

NM_006118.4(HAX1):c.58A>G (p.Arg20Gly)

Gene: HAX1 (HCLS1 associated protein X-1; plus strand). Cytogenetic location: 1q21.3.
Variant type: single nucleotide variant.
Coding change: c.58A>G on transcript NM_006118.4 (MANE Select); coding-DNA position 58, A replaced by G.
Protein change: p.Arg20Gly; replaces arginine 20 with glycine.
Molecular consequence: missense variant. On other transcripts: intron variant (1).
Genome position (GRCh38, 1-based): chr1:154,273,340, A>G. VCF-style: chr1-154273340-A-G. GRCh37 (hg19) VCF-style: chr1-154245816-A-G.
Other names: c.54-140A>G (NM_001018837.2); short protein forms R20G.
Identifiers: ClinVar variation 4269008 (VCV004269008.1).

ClinVar aggregate classification (germline): Uncertain significance (1 of 4 stars; one submission).

Conditions:
Inborn genetic diseases. Identifiers: MedGen C0950123, MeSH D030342.

Submission:

Ambry Genetics
Classification: Uncertain significance for Inborn genetic diseases. Last evaluated: 2025-06-15. Review status: criteria provided, single submitter. Criteria: Ambry Variant Classification Scheme 2023. Collection method: clinical testing. Allele origin: germline.
Comment: The p.R20G variant (also known as c.58A>G), located in coding exon 2 of the HAX1 gene, results from an A to G substitution at nucleotide position 58. The arginine at codon 20 is replaced by glycine, an amino acid with dissimilar properties. This amino acid position is conserved. In addition, the in silico prediction for this alteration is inconclusive. Based on the available evidence, the clinical significance of this variant remains unclear.